The following is an entry in ClinVar:

NM_015100.4(POGZ):c.2781dup (p.Ala928fs)

Gene: POGZ (pogo transposable element derived with ZNF domain; minus strand). Cytogenetic location: 1q21.3.
Variant type: Duplication.
Coding change: c.2781dup on transcript NM_015100.4 (MANE Select); coding-DNA position 2781, one base duplicated (A; older notation c.2781dupA).
Protein change: p.Ala928fs; shifts the reading frame from alanine 928.
Molecular consequence: frameshift variant.
Genome position (GRCh38, 1-based): chr1:151,406,254, T duplicated on the plus strand (A on the coding strand, the reverse complement: POGZ is on the minus strand). VCF-style (leftmost placement, unchanged base first): chr1-151406253-C-CT. GRCh37 (hg19) VCF-style: chr1-151378729-C-CT.
Other names: c.2754dup, p.Ala919fs (NM_001194937.2); c.2595dup, p.Ala866fs (NM_001194938.2); c.2496dup, p.Ala833fs (NM_145796.4); c.2622dup, p.Ala875fs (NM_207171.2); short protein forms A875fs, A866fs, A833fs, A919fs, A928fs.
Identifiers: ClinVar variation 817836 (VCV000817836.1), dbSNP rs1571326825, ClinGen allele CA915941413.
Genomic context (GRCh38, chr1:151,406,253, plus strand): 5'-CTTCATCCTGATCATCAACATTCAGACATTCGGCTCCCTCTGTAGCCAGCGGTGGAAGGG[C>CT]TAAAGCCTGCGGGTGAGTGGGGGTTGGTGGTGGGGTTGCAGTTGAGGCTGGTGATGGGAG-3'

ClinVar aggregate classification (germline): Likely pathogenic (1 of 4 stars; one submission).

Submission:

GeneDx
Classification: Likely pathogenic. Last evaluated: 2018-09-20. Review status: criteria provided, single submitter. Criteria: GeneDx Variant Classification (06012015). Collection method: clinical testing. Allele origin: germline. Affected: yes.
Comment: The c.2781dupA variant in the POGZ gene has not been published as a pathogenic variant, nor has it been reported as a benign variant to our knowledge. This variant is not observed in large population cohorts (Lek et al., 2016). The c.2781dupA variant causes a frameshift starting with codon Alanine 928, changes this amino acid to a Serine residue, and creates a premature Stop codon at position 16 of the new reading frame, denoted p.Ala928SerfsX16. This variant is predicted to cause loss of normal protein function through protein truncation, as the last 483 amino acids are replaced by 15 incorrect amino acids. Therefore, this variant is likely pathogenic.